The following is an entry in ClinVar:

ClinVar aggregate classification (germline): Uncertain significance. Review status: criteria provided, multiple submitters, no conflicts (2 of 4 stars). 2 submissions from 2 submitters: Uncertain significance (2). Last evaluated 2024-12-08.

Conditions:
Hereditary cancer-predisposing syndrome. Also called: Tumor predisposition; Hereditary Cancer Syndrome; Neoplastic Syndromes, Hereditary; Hereditary neoplastic syndrome. Identifiers: Orphanet 140162, MedGen C0027672, MeSH D009386, MONDO:0015356.
Bloom syndrome (BLM). Also called: Bloom-Torre-Machacek syndrome. Identifiers: Orphanet 125, MedGen C0005859, MONDO:0008876, OMIM 210900.

Allele frequency attached by ClinVar (database versions not stated): gnomAD exomes below 0.00001.
gnomAD v4.1: 2 of 1,614,136 alleles (0.00012%); highest among the groups gnomAD compares: Non-Finnish European, 0.00017%; no homozygotes.

Submissions (2):

Ambry Genetics
Classification: Uncertain significance for Hereditary cancer-predisposing syndrome. Last evaluated: 2024-12-08. Review status: criteria provided, single submitter. Criteria: Ambry Variant Classification Scheme 2023. Collection method: clinical testing. Allele origin: germline.
Comment: The p.P78S variant (also known as c.232C>T), located in coding exon 2 of the BLM gene, results from a C to T substitution at nucleotide position 232. The proline at codon 78 is replaced by serine, an amino acid with similar properties. This amino acid position is conserved. In addition, this alteration is predicted to be tolerated by in silico analysis. Based on the available evidence, the clinical significance of this variant remains unclear.

Labcorp Genetics (formerly Invitae), Labcorp
Classification: Uncertain significance for Bloom syndrome. Last evaluated: 2022-02-06. Review status: criteria provided, single submitter. Criteria: Invitae Variant Classification Sherloc (09022015). Collection method: clinical testing. Allele origin: germline.
Comment: This sequence change replaces proline, which is neutral and non-polar, with serine, which is neutral and polar, at codon 78 of the BLM protein (p.Pro78Ser). This variant is present in population databases (no rsID available, gnomAD 0.006%). This variant has not been reported in the literature in individuals affected with BLM-related conditions. Algorithms developed to predict the effect of missense changes on protein structure and function output the following: SIFT: "Tolerated"; PolyPhen-2: "Benign"; Align-GVGD: "Class C0". The serine amino acid residue is found in multiple mammalian species, which suggests that this missense change does not adversely affect protein function. In summary, the available evidence is currently insufficient to determine the role of this variant in disease. Therefore, it has been classified as a Variant of Uncertain Significance.

NM_000057.4(BLM):c.232C>T (p.Pro78Ser)

Gene: BLM (BLM RecQ like helicase; plus strand). Cytogenetic location: 15q26.1.
Variant type: single nucleotide variant.
Coding change: c.232C>T on transcript NM_000057.4 (MANE Select); coding-DNA position 232, C replaced by T.
Protein change: p.Pro78Ser; replaces proline 78 with serine.
Molecular consequence: missense variant. On other transcripts: 5 prime UTR variant (1).
Genome position (GRCh38, 1-based): chr15:90,749,500, C>T. VCF-style: chr15-90749500-C-T. GRCh37 (hg19) VCF-style: chr15-91292730-C-T.
Other names: c.232C>T, p.Pro78Ser (NM_001287246.2, NM_001287247.2); c.-1060C>T (NM_001287248.2); short protein forms P78S.
Identifiers: ClinVar variation 2057083 (VCV002057083.2), dbSNP rs1449002455, ClinGen allele CA393839879.
Genomic context (GRCh38, chr15:90,749,500, plus strand): 5'-CCTGTATTAAGAAATAAAGATGTTAATGTTACCGAAGACTTTTCCTTCAGTGAACCTCTA[C>T]CCAACACCACAAATCAGCAAAGGGTCAAGGACTTCTTTAAAAATGCTCCAGCAGGACAGG-3'
Protein context (NP_000048.1, residues 68-88): TEDFSFSEPL[Pro78Ser]NTTNQQRVKD